The following is an entry in ClinVar:

NM_004870.4(MPDU1):c.403G>A (p.Ala135Thr)

Gene: MPDU1 (mannose-P-dolichol utilization defect 1; plus strand). Cytogenetic location: 17p13.1.
Variant type: single nucleotide variant.
Coding change: c.403G>A on transcript NM_004870.4 (MANE Select); coding-DNA position 403, G replaced by A.
Protein change: p.Ala135Thr; replaces alanine 135 with threonine.
Molecular consequence: missense variant. On other transcripts: non-coding transcript variant (1), intron variant (1).
Genome position (GRCh38, 1-based): chr17:7,586,913, G>A. VCF-style: chr17-7586913-G-A. GRCh37 (hg19) VCF-style: chr17-7490231-G-A.
Other names: c.449+75G>A (NM_001330073.1); short protein forms A135T.
Identifiers: ClinVar variation 851551 (VCV000851551.10), dbSNP rs137983973, ClinGen allele CA8352943.

ClinVar aggregate classification (germline): Uncertain significance (1 of 4 stars; one submission).

Conditions:
MPDU1-congenital disorder of glycosylation. Also called: CONGENITAL DISORDER OF GLYCOSYLATION, TYPE If; CDG If; MPDU1-CDG. Identifiers: Orphanet 79323, MedGen C1836669, MONDO:0012211, OMIM 609180.

Allele frequency attached by ClinVar (database versions not stated): TOPMed 0.00001.
gnomAD v4.1: 13 of 1,613,870 alleles (0.00081%); highest among the groups gnomAD compares: African/African-American, 0.004%; no homozygotes.

Submission:

Labcorp Genetics (formerly Invitae), Labcorp
Classification: Uncertain significance for MPDU1-congenital disorder of glycosylation. Last evaluated: 2019-12-18. Review status: criteria provided, single submitter. Criteria: Invitae Variant Classification Sherloc (09022015). Collection method: clinical testing. Allele origin: germline.
Comment: This variant has not been reported in the literature in individuals with MPDU1-related conditions. This sequence change replaces alanine with threonine at codon 135 of the MPDU1 protein (p.Ala135Thr). The alanine residue is moderately conserved and there is a small physicochemical difference between alanine and threonine. This variant is present in population databases (rs137983973, ExAC 0.003%). Algorithms developed to predict the effect of missense changes on protein structure and function output the following: SIFT: "Tolerated"; PolyPhen-2: "Benign"; Align-GVGD: "Class C0". The threonine amino acid residue is found in multiple mammalian species, suggesting that this missense change does not adversely affect protein function. These predictions have not been confirmed by published functional studies and their clinical significance is uncertain. In summary, the available evidence is currently insufficient to determine the role of this variant in disease. Therefore, it has been classified as a Variant of Uncertain Significance.